The following is an entry in ClinVar:

NM_176787.5(PIGN):c.1213G>A (p.Ala405Thr)

Gene: PIGN (phosphatidylinositol glycan anchor biosynthesis class N; minus strand). Cytogenetic location: 18q21.33.
Variant type: single nucleotide variant.
Coding change: c.1213G>A on transcript NM_176787.5 (MANE Select); coding-DNA position 1213, G replaced by A.
Protein change: p.Ala405Thr; replaces alanine 405 with threonine.
Molecular consequence: missense variant.
Genome position (GRCh38, 1-based): chr18:62,114,599, C>T on the plus strand (G>A on the coding strand, the complement: PIGN is on the minus strand). VCF-style: chr18-62114599-C-T. GRCh37 (hg19) VCF-style: chr18-59781832-C-T.
Other names: c.1213G>A, p.Ala405Thr (NM_012327.6); short protein forms A405T.
Identifiers: ClinVar variation 1361578 (VCV001361578.5), dbSNP rs1314745962, ClinGen allele CA402606148.

ClinVar aggregate classification (germline): Uncertain significance (1 of 4 stars; one submission).

Conditions:
Multiple congenital anomalies-hypotonia-seizures syndrome 1 (MCAHS1). Also called: PIGN-CDG; Congenital disorder of glycosylation due to PIGN deficiency; GLYCOSYLPHOSPHATIDYLINOSITOL BIOSYNTHESIS DEFECT 3. Identifiers: Orphanet 280633, MedGen C3279775, MONDO:0013563, OMIM 614080.

Allele frequency attached by ClinVar (database versions not stated): gnomAD 0.00001 and 0.00002; TOPMed 0.00002; gnomAD exomes 0.00003.

Submission:

Labcorp Genetics (formerly Invitae), Labcorp
Classification: Uncertain significance for Multiple congenital anomalies-hypotonia-seizures syndrome 1. Last evaluated: 2022-02-02. Review status: criteria provided, single submitter. Criteria: Invitae Variant Classification Sherloc (09022015). Collection method: clinical testing. Allele origin: germline.
Comment: This sequence change replaces alanine, which is neutral and non-polar, with threonine, which is neutral and polar, at codon 405 of the PIGN protein (p.Ala405Thr). This variant is present in population databases (no rsID available, gnomAD 0.01%). This variant has not been reported in the literature in individuals affected with PIGN-related conditions. Algorithms developed to predict the effect of missense changes on protein structure and function (SIFT, PolyPhen-2, Align-GVGD) all suggest that this variant is likely to be tolerated. In summary, the available evidence is currently insufficient to determine the role of this variant in disease. Therefore, it has been classified as a Variant of Uncertain Significance.